The following is an entry in ClinVar:

ClinVar aggregate classification (germline): Uncertain significance (1 of 4 stars; one submission).

gnomAD v4.1: 8 of 1,611,804 alleles (0.0005%); highest among the groups gnomAD compares: Non-Finnish European, 0.00068%; no homozygotes.

Submission:

Labcorp Genetics (formerly Invitae), Labcorp
Classification: Uncertain significance. Last evaluated: 2025-08-16. Review status: criteria provided, single submitter. Criteria: Invitae Variant Classification Sherloc (09022015). Collection method: clinical testing. Allele origin: germline.
Comment: This sequence change replaces arginine, which is basic and polar, with tryptophan, which is neutral and slightly polar, at codon 176 of the RELB protein (p.Arg176Trp). The frequency data for this variant in the population databases is considered unreliable, as metrics indicate poor data quality at this position in the gnomAD database. This variant has not been reported in the literature in individuals affected with RELB-related conditions. An algorithm developed to predict the effect of missense changes on protein structure and function (PolyPhen-2) suggests that this variant is likely to be disruptive. Algorithms developed to predict the effect of sequence changes on RNA splicing suggest that this variant may disrupt the consensus splice site. In summary, the available evidence is currently insufficient to determine the role of this variant in disease. Therefore, it has been classified as a Variant of Uncertain Significance.

NM_006509.4(RELB):c.526C>T (p.Arg176Trp)

Gene: RELB (RELB proto-oncogene, NF-kB subunit; plus strand). Cytogenetic location: 19q13.32.
Variant type: single nucleotide variant.
Coding change: c.526C>T on transcript NM_006509.4 (MANE Select); coding-DNA position 526, C replaced by T.
Protein change: p.Arg176Trp; replaces arginine 176 with tryptophan.
Molecular consequence: missense variant.
Genome position (GRCh38, 1-based): chr19:45,022,074, C>T. VCF-style: chr19-45022074-C-T. GRCh37 (hg19) VCF-style: chr19-45525332-C-T.
Other names: c.517C>T, p.Arg173Trp (NM_001411087.1); short protein forms R176W, R173W.
Identifiers: ClinVar variation 4764016 (VCV004764016.1).